The following is an entry in ClinVar:

NM_004933.3(CDH15):c.365C>T (p.Ala122Val)

Gene: CDH15 (cadherin 15; plus strand). Cytogenetic location: 16q24.3.
Variant type: single nucleotide variant.
Coding change: c.365C>T on transcript NM_004933.3 (MANE Select); coding-DNA position 365, C replaced by T.
Protein change: p.Ala122Val; replaces alanine 122 with valine.
Molecular consequence: missense variant.
Genome position (GRCh38, 1-based): chr16:89,183,555, C>T. VCF-style: chr16-89183555-C-T. GRCh37 (hg19) VCF-style: chr16-89249963-C-T.
Other names: short protein forms A122V.
Identifiers: ClinVar variation 17644 (VCV000017644.9), dbSNP rs121434541, ClinGen allele CA127321.

ClinVar aggregate classification (germline): Likely benign. Review status: criteria provided, multiple submitters, no conflicts (2 of 4 stars). 5 submissions from 5 submitters: Likely benign (2). 3 of the submissions do not count toward it. Last evaluated 2017-07-18.

Conditions:
CDH15-related disorder. Also called: CDH15-related condition.
Intellectual developmental disorder, autosomal dominant 3. Also called: Intellectual disability, autosomal dominant 3. Identifiers: MedGen C2675488, MONDO:0012946, OMIM 612580.

Allele frequency attached by ClinVar (database versions not stated): gnomAD exomes 0.00009 and 0.00020; TOPMed 0.00061; 1000 Genomes Project 30x 0.00062; ExAC 0.00028; gnomAD 0.00051; 1000 Genomes Project 0.00060.
gnomAD v4.1: 224 of 1,614,124 alleles (0.014%); highest among the groups gnomAD compares: African/African-American, 0.21%; 1 homozygote.

Submissions (5):

Labcorp Genetics (formerly Invitae), Labcorp
Classification: Likely benign. Last evaluated: 2017-07-18. Review status: criteria provided, single submitter. Criteria: Invitae Variant Classification Sherloc (09022015). Collection method: clinical testing. Allele origin: germline.

Breakthrough Genomics
Classification: Likely benign. Review status: criteria provided, single submitter. Criteria: ACMG Guidelines, 2015. Collection method: not provided. Allele origin: germline. Inheritance: Autosomal dominant inheritance. Affected: yes.

PreventionGenetics, part of Exact Sciences
Classification: Likely benign for CDH15-related condition. Last evaluated: 2019-12-06. Review status: no assertion criteria provided. Collection method: clinical testing. Allele origin: germline. Not counted in ClinVar's aggregate classification.
Comment: This variant is classified as likely benign based on ACMG/AMP sequence variant interpretation guidelines (Richards et al. 2015 PMID: 25741868, with internal and published modifications).

OMIM
Classification: Pathogenic for INTELLECTUAL DEVELOPMENTAL DISORDER, AUTOSOMAL DOMINANT 3. Last evaluated: 2008-12-01. Review status: no assertion criteria provided. Collection method: literature only. Allele origin: germline. Not counted in ClinVar's aggregate classification.

Department of Pathology and Laboratory Medicine, Sinai Health System
Classification: Uncertain significance. Review status: no assertion criteria provided. Collection method: clinical testing. Allele origin: unknown. Affected: yes. Study: The Canadian Open Genetics Repository (COGR). Not counted in ClinVar's aggregate classification.
Comment: The CDH15 p.Ala122Val variant was identified in 1 of 1294 proband chromosomes (frequency: 0.00077) from unrelated individuals with mild to severe intellectual disability and was not identified in 1600 control chromosomes from healthy individuals (Bhalla_2008_PMID:19012874). The variant was also identified in dbSNP (ID: rs121434541) and ClinVar (classified as pathogenic by OMIM) but was not identified in Cosmic or LOVD 3.0. The variant was identified in control databases in 65 of 281588 chromosomes (1 homozygous) at a frequency of 0.000231 (Genome Aggregation Database Feb 27, 2017). The variant was observed in the following populations: African in 59 of 24942 chromosomes (freq: 0.002365), Latino in 5 of 35422 chromosomes (freq: 0.000141) and Other in 1 of 7216 chromosomes (freq: 0.000139), while the variant was not observed in the Ashkenazi Jewish, East Asian, European (Finnish), European (non-Finnish) or South Asian populations. Mouse L-cells transfected with CDH15 cDNA containing the A122V change demonstrated a greater than 80% decrease in cell-cell adhesion compared to cells transfected with wildtype CDH15 (Bhalla_2008_PMID:19012874). The p.Ala122 residue is conserved across mammals and other organisms, and four out of five computational analyses (PolyPhen-2, SIFT, AlignGVGD, MutationTaster) suggest that the variant may impact the protein; however, this information is not predictive enough to assume pathogenicity. The variant occurs outside of the splicing consensus sequence and in silico or computational prediction software programs (SpliceSiteFinder, MaxEntScan, NNSPLICE, GeneSplicer) do not predict a difference in splicing. In summary, based on the above information the clinical significance of this variant cannot be determined with certainty at this time. This variant is classified as a variant of uncertain significance.

Literature cited by the submitters: PubMed 19012874 (cited by OMIM).